The following is an entry in ClinVar:

NM_003331.5(TYK2):c.2429A>T (p.Asp810Val)

Gene: TYK2 (tyrosine kinase 2; minus strand). Cytogenetic location: 19p13.2.
Variant type: single nucleotide variant.
Coding change: c.2429A>T on transcript NM_003331.5 (MANE Select); coding-DNA position 2429, A replaced by T.
Protein change: p.Asp810Val; replaces aspartic acid 810 with valine.
Molecular consequence: missense variant.
Genome position (GRCh38, 1-based): chr19:10,357,801, T>A on the plus strand (A>T on the coding strand, the complement: TYK2 is on the minus strand). VCF-style: chr19-10357801-T-A. GRCh37 (hg19) VCF-style: chr19-10468477-T-A.
Other names: c.2429A>T (LRG_121t1); short protein forms D810V.
Identifiers: ClinVar variation 536645 (VCV000536645.10), dbSNP rs371070470, ClinGen allele CA9193082.
Genomic context (GRCh38, chr19:10,357,801, plus strand): 5'-GCCCAAGGGTCTCCTAGACATACCTCGGAGGGACTGCGGCTCTGCAGAGGGGCCTCTCCG[T>A]CAAAGCAGATCTCCAGGAGGGTGGCGCCAAACCCCCACTTGTCCATGGCGGTGCTTAGGC-3'
Protein context (NP_003322.3, residues 800-820): FGATLLEICF[Asp810Val]GEAPLQSRSP

ClinVar aggregate classification (germline): Uncertain significance. Review status: criteria provided, multiple submitters, no conflicts (2 of 4 stars). 3 submissions from 3 submitters: Uncertain significance (3). Last evaluated 2024-11-11.

Conditions:
Immunodeficiency 35 (IMD35). Also called: TYK2 DEFICIENCY; HIES WITH ATYPICAL MYCOBACTERIOSIS, AUTOSOMAL RECESSIVE; HYPER-IgE SYNDROME WITH ATYPICAL MYCOBACTERIOSIS, AUTOSOMAL RECESSIVE; Susceptibility to infection due to TYK2 deficiency. Identifiers: Orphanet 331226, MedGen C1969086, MONDO:0012682, OMIM 611521.

Allele frequency attached by ClinVar (database versions not stated): gnomAD 0.00007 and 0.00008; gnomAD exomes 0.00007 and 0.00008; ESP Exome Variant Server 0.00008; TOPMed 0.00009; ExAC 0.00010.
gnomAD v4.1: 132 of 1,613,178 alleles (0.0082%); highest among the groups gnomAD compares: Non-Finnish European, 0.011%; no homozygotes.

Submissions (3):

Labcorp Genetics (formerly Invitae), Labcorp
Classification: Uncertain significance for Immunodeficiency 35. Last evaluated: 2024-11-11. Review status: criteria provided, single submitter. Criteria: Invitae Variant Classification Sherloc (09022015). Collection method: clinical testing. Allele origin: germline.
Comment: This sequence change replaces aspartic acid, which is acidic and polar, with valine, which is neutral and non-polar, at codon 810 of the TYK2 protein (p.Asp810Val). This variant is present in population databases (rs371070470, gnomAD 0.02%). This variant has not been reported in the literature in individuals affected with TYK2-related conditions. ClinVar contains an entry for this variant (Variation ID: 536645). Invitae Evidence Modeling of protein sequence and biophysical properties (such as structural, functional, and spatial information, amino acid conservation, physicochemical variation, residue mobility, and thermodynamic stability) indicates that this missense variant is not expected to disrupt TYK2 protein function with a negative predictive value of 80%. In summary, the available evidence is currently insufficient to determine the role of this variant in disease. Therefore, it has been classified as a Variant of Uncertain Significance.

Blueprint Genetics
Classification: Uncertain significance. Last evaluated: 2024-01-05. Review status: criteria provided, single submitter. Criteria: ACMG Guidelines, 2015. Collection method: clinical testing. Allele origin: germline.

Center for Genomics, Ann and Robert H. Lurie Children's Hospital of Chicago
Classification: Uncertain significance for Immunodeficiency 35. Last evaluated: 2021-03-30. Review status: criteria provided, single submitter. Criteria: ACMG Guidelines, 2015. Collection method: clinical testing. Allele origin: germline.
Comment: TYK2 NM_003331.4 exon 17 p.Asp810Val (c.2429A>T): This variant has not been reported in the literature but is present in 0.01% (24/127490) of European alleles in the Genome Aggregation Database. This variant is present in ClinVar (Variation ID:536645). Evolutionary conservation suggests that this variant may not impact the protein; computational predictive tools suggest that this variant may impact the protein. In summary, data on this variant is insufficient for disease classification. Therefore, the clinical significance of this variant is uncertain.